The following is an entry in ClinVar:

NM_001673.5(ASNS):c.1648C>T (p.Arg550Cys)

Genes: ASNS (asparagine synthetase (glutamine-hydrolyzing); minus strand), CZ1P-ASNS (CZ1P-ASNS readthrough; minus strand). Cytogenetic location: 7q21.3.
Variant type: single nucleotide variant.
Coding change: c.1648C>T on transcript NM_001673.5 (MANE Select); coding-DNA position 1648, C replaced by T.
Protein change: p.Arg550Cys; replaces arginine 550 with cysteine.
Molecular consequence: missense variant. On other transcripts: non-coding transcript variant (1).
Genome position (GRCh38, 1-based): chr7:97,852,297, G>A on the plus strand (C>T on the coding strand, the complement: ASNS is on the minus strand). VCF-style: chr7-97852297-G-A. GRCh37 (hg19) VCF-style: chr7-97481609-G-A.
Other names: c.1585C>T, p.Arg529Cys (NM_001178075.2); c.1399C>T, p.Arg467Cys (NM_001178076.2, NM_001178077.1); c.1648C>T, p.Arg550Cys (NM_001352496.2, NM_183356.4, NM_133436.3); short protein forms R550C, R529C, R467C.
Identifiers: ClinVar variation 91841 (VCV000091841.17), dbSNP rs398122974, ClinGen allele CA331775.
Genomic context (GRCh38, chr7:97,852,297, plus strand): 5'-CACATTACAGCATAAAGACCACCTAAGCTTTGACAGCTGACTTGTAGTGGGTCAGCGTGC[G>A]GGCAGAAGGGTCAGTGGCATTGATCCACTTGGGCATCCAGTAATGGCTCAGCCAGTCAGC-3'
Protein context (NP_001664.3, residues 540-560): KWINATDPSA[Arg550Cys]TLTHYKSAVK

ClinVar aggregate classification (germline): Pathogenic. Review status: criteria provided, multiple submitters, no conflicts (2 of 4 stars). 6 submissions from 6 submitters: Pathogenic (4). 2 of the submissions do not count toward it. Last evaluated 2025-10-18.

Conditions:
ASNS-related disorder. Also called: ASNS-related condition.
Congenital microcephaly - severe encephalopathy - progressive cerebral atrophy syndrome. Also called: Asparagine synthetase deficiency; ASNS DEFICIENCY. Identifiers: Orphanet 391376, MedGen C3809971, MONDO:0014258, OMIM 615574.

Allele frequency attached by ClinVar (database versions not stated): TOPMed 0.00001; ExAC 0.00002; gnomAD 0.00002 and 0.00001; gnomAD exomes 0.00002 and 0.00001.
gnomAD v4.1: 16 of 1,613,974 alleles (0.00099%); highest among the groups gnomAD compares: Admixed American, 0.0017%; no homozygotes.

Submissions (6):

Labcorp Genetics (formerly Invitae), Labcorp
Classification: Pathogenic. Last evaluated: 2025-10-18. Review status: criteria provided, single submitter. Criteria: Invitae Variant Classification Sherloc (09022015). Collection method: clinical testing. Allele origin: germline.
Comment: This sequence change replaces arginine, which is basic and polar, with cysteine, which is neutral and slightly polar, at codon 550 of the ASNS protein (p.Arg550Cys). This variant is present in population databases (rs398122974, gnomAD 0.007%). This missense change has been observed in individual(s) with asparagine synthetase deficiency (PMID: 24139043, 27522229). In at least one individual the data is consistent with being in trans (on the opposite chromosome) from a pathogenic variant. It has also been observed to segregate with disease in related individuals. ClinVar contains an entry for this variant (Variation ID: 91841). Invitae Evidence Modeling of protein sequence and biophysical properties (such as structural, functional, and spatial information, amino acid conservation, physicochemical variation, residue mobility, and thermodynamic stability) indicates that this missense variant is expected to disrupt ASNS protein function with a positive predictive value of 95%. For these reasons, this variant has been classified as Pathogenic.

Natera, Inc.
Classification: Pathogenic for Asparagine synthetase deficiency. Last evaluated: 2025-08-26. Review status: criteria provided, single submitter. Criteria: Natera Variant Classification Schema (03/2026). Collection method: clinical testing. Allele origin: germline.
Comment: The c.1648C>T variant in ASNS is a missense variant predicted to cause substitution of arginine to cysteine at amino acid 550. This variant is rare in the general population with a frequency below the threshold expected for the associated phenotype(s). This variant has been observed in one or more individuals affected with the associated recessive disease, as either homozygous or compound heterozygous with a second variant (PMID: 24139043, 27522229). Additionally, this variant has been observed to segregate in affected family members (PMID: 24139043, 27522229). Computational prediction algorithms indicate this variant is likely to affect gene or protein function. Given the available evidence, this variant is classified as Pathogenic.

Blueprint Genetics
Classification: Pathogenic for ASNS-related disorders. Last evaluated: 2023-10-02. Review status: criteria provided, single submitter. Criteria: ACMG Guidelines, 2015. Collection method: clinical testing. Allele origin: germline. Affected: yes. Observed: 1 variant allele.

Women's Health and Genetics/Laboratory Corporation of America, LabCorp
Classification: Pathogenic for Congenital microcephaly - severe encephalopathy - progressive cerebral atrophy syndrome. Last evaluated: 2022-02-03. Review status: criteria provided, single submitter. Criteria: LabCorp Variant Classification Summary - May 2015. Collection method: clinical testing. Allele origin: germline.
Comment: Variant summary: ASNS c.1648C>T (p.Arg550Cys) results in a non-conservative amino acid change in the encoded protein sequence. Five of five in-silico tools predict a damaging effect of the variant on protein function. The variant allele was found at a frequency of 1.6e-05 in 251360 control chromosomes (gnomAD). c.1648C>T has been reported in the literature in multiple homozygous and compound heterozygous individuals affected with Asparagine Synthetase Deficiency and was shown to segregate with disease in families (e.g. Ruzzo_2013, Mercimek-Mahmutoglu_2015, Gataullina_2016). These data indicate that the variant is very likely to be associated with disease. Two ClinVar submitters (evaluation after 2014) cite the variant as pathogenic/likely pathogenic. Based on the evidence outlined above, the variant was classified as pathogenic.

Counsyl
Classification: Likely pathogenic for Congenital microcephaly - severe encephalopathy - progressive cerebral atrophy syndrome. Last evaluated: 2016-10-18. Review status: no assertion criteria provided. Collection method: clinical testing. Allele origin: unknown. Not counted in ClinVar's aggregate classification.

OMIM
Classification: Pathogenic for ASPARAGINE SYNTHETASE DEFICIENCY. Last evaluated: 2013-10-16. Review status: no assertion criteria provided. Collection method: literature only. Allele origin: germline. Not counted in ClinVar's aggregate classification.

Literature cited by the submitters: PubMed 24139043 (cited by 5 submitters); PubMed 27522229 (cited by 4 submitters); PubMed 25758715 (cited by Women's Health and Genetics/Laboratory Corporation of America, LabCorp and Counsyl).